The following is an entry in ClinVar:

ClinVar aggregate classification (germline): Likely benign. Review status: reviewed by expert panel (3 of 4 stars). 5 submissions from 5 submitters: Likely benign (1). 4 of the submissions do not count toward it. Last evaluated 2017-06-29.

Conditions:
Hereditary cancer-predisposing syndrome. Also called: Hereditary neoplastic syndrome; Hereditary Cancer Syndrome; Neoplastic Syndromes, Hereditary; Tumor predisposition. Identifiers: Orphanet 140162, MedGen C0027672, MeSH D009386, MONDO:0015356.
Breast and/or ovarian cancer. Identifiers: MedGen CN221562.
Hereditary breast ovarian cancer syndrome. Also called: Hereditary breast and ovarian cancer syndrome; BRCA1- and BRCA2-Associated Hereditary Breast and Ovarian Cancer; Hereditary breast and/or ovarian cancer syndrome; Hereditary breast and ovarian cancer; Breast and ovarian cancer; Hereditary breast and ovarian cancer syndrome (HBOC). Identifiers: Orphanet 145, MedGen C0677776, MeSH D061325, MONDO:0003582. Disease mechanism: loss of function.
Breast-ovarian cancer, familial, susceptibility to, 2 (BROVCA2). Also called: BRCA2 Hereditary Breast and Ovarian Cancer. Identifiers: Orphanet 145, MedGen C2675520, MONDO:0012933, OMIM 612555. Disease mechanism: loss of function.

Allele frequency attached by ClinVar (database versions not stated): gnomAD exomes below 0.00001; ExAC 0.00001; gnomAD 0.00001; 1000 Genomes Project 30x 0.00016; 1000 Genomes Project 0.00020.
gnomAD v4.1: 1 of 1,605,132 alleles (0.000062%); no homozygotes.

Submissions (5):

Evidence-based Network for the Interpretation of Germline Mutant Alleles (ENIGMA)
Classification: Likely benign for Breast-ovarian cancer, familial, susceptibility to, 2. Last evaluated: 2017-06-29. Review status: reviewed by expert panel. Criteria: ENIGMA BRCA1/2 Classification Criteria (2017-06-29). Collection method: curation. Allele origin: germline.
Comment: Synonymous substitution variant, with low bioinformatic likelihood to result in a splicing aberration (Splicing prior probability 0.02).

Color Diagnostics, LLC DBA Color Health
Classification: Likely benign for Hereditary cancer-predisposing syndrome. Last evaluated: 2025-06-09. Review status: criteria provided, single submitter. Criteria: ACMG Guidelines, 2015. Collection method: clinical testing. Allele origin: germline. Not counted in ClinVar's aggregate classification.

CHEO Genetics Diagnostic Laboratory, Children's Hospital of Eastern Ontario
Classification: Likely benign for Breast and/or ovarian cancer. Last evaluated: 2022-02-14. Review status: criteria provided, single submitter. Criteria: ACMG Guidelines, 2015. Collection method: clinical testing. Allele origin: germline. Not counted in ClinVar's aggregate classification.

Labcorp Genetics (formerly Invitae), Labcorp
Classification: Likely benign for Hereditary breast ovarian cancer syndrome. Last evaluated: 2021-11-12. Review status: criteria provided, single submitter. Criteria: Invitae Variant Classification Sherloc (09022015). Collection method: clinical testing. Allele origin: germline. Not counted in ClinVar's aggregate classification.

Ambry Genetics
Classification: Likely benign for Hereditary cancer-predisposing syndrome. Last evaluated: 2017-10-30. Review status: criteria provided, single submitter. Criteria: Ambry Variant Classification Scheme 2023. Collection method: clinical testing. Allele origin: germline. Not counted in ClinVar's aggregate classification.

NM_000059.4(BRCA2):c.4395A>G (p.Glu1465=)

Gene: BRCA2 (BRCA2 DNA repair associated; plus strand). Cytogenetic location: 13q13.1.
Variant type: single nucleotide variant.
Coding change: c.4395A>G on transcript NM_000059.4 (MANE Select); coding-DNA position 4395, A replaced by G.
Protein change: p.Glu1465=; no amino-acid change (glutamic acid 1465 retained).
Molecular consequence: synonymous variant.
Genome position (GRCh38, 1-based): chr13:32,338,750, A>G. VCF-style: chr13-32338750-A-G. GRCh37 (hg19) VCF-style: chr13-32912887-A-G.
Identifiers: ClinVar variation 427452 (VCV000427452.14), dbSNP rs188234310, ClinGen allele CA6940776.